The following is an entry in ClinVar:

NM_024675.4(PALB2):c.2444_2451delinsGGTGGTG (p.Ser815fs)

Gene: PALB2 (partner and localizer of BRCA2; minus strand). Cytogenetic location: 16p12.2.
Variant type: Indel.
Coding change: c.2444_2451delinsGGTGGTG on transcript NM_024675.4 (MANE Select); coding-DNA positions 2444 to 2451, CATTCACT replaced by GGTGGTG.
Protein change: p.Ser815fs; shifts the reading frame from serine 815.
Molecular consequence: frameshift variant. On other transcripts: intron variant (1).
Genome position (GRCh38, 1-based): chr16:23,629,703-23,629,710, AGTGAATG replaced by CACCACC on the plus strand (CATTCACT replaced by GGTGGTG on the coding strand, the reverse complement: PALB2 is on the minus strand). VCF-style: chr16-23629703-AGTGAATG-CACCACC. GRCh37 (hg19) VCF-style: chr16-23641024-AGTGAATG-CACCACC.
Other names: c.2384_2391delinsGGTGGTG, p.Ser795fs (NM_001407296.1); c.2444_2451delinsGGTGGTG, p.Ser815fs (NM_001407297.1, NM_001407298.1, NM_001407299.1 and 3 more transcripts); c.1559_1566delinsGGTGGTG, p.Ser520fs (NM_001407304.1, NM_001407305.1, NM_001407306.1 and 5 more transcripts); c.656_663delinsGGTGGTG, p.Ser219fs (NM_001407312.1, NM_001407313.1); c.49-435_49-428delinsGGTGGTG (NM_001407314.1); short protein forms S219fs, S520fs, S795fs, S815fs.
Identifiers: ClinVar variation 2674106 (VCV002674106.1), dbSNP rs2506404974, ClinGen allele CA2695197466.

ClinVar aggregate classification (germline): Pathogenic (1 of 4 stars; one submission).

Conditions:
Familial cancer of breast. Also called: Hereditary breast cancer; BREAST CANCER, FAMILIAL; hereditary breast carcinoma. Identifiers: Orphanet 227535, MedGen C0346153, MONDO:0016419, OMIM 114480. Disease mechanism: loss of function.

Submission:

Myriad Genetics, Inc.
Classification: Pathogenic for Familial cancer of breast. Last evaluated: 2023-09-12. Review status: criteria provided, single submitter. Criteria: Myriad Autosomal Dominant, Autosomal Recessive and X-Linked Classification Criteria (2023). Collection method: clinical testing. Allele origin: unknown.
Comment: This variant is considered pathogenic. This variant creates a frameshift predicted to result in premature protein truncation.